The following is an entry in ClinVar:

ClinVar aggregate classification (germline): Uncertain significance. Review status: criteria provided, multiple submitters, no conflicts (2 of 4 stars). 2 submissions from 2 submitters: Uncertain significance (2). Last evaluated 2025-07-29.

Conditions:
Inborn genetic diseases. Identifiers: MedGen C0950123, MeSH D030342.

Allele frequency attached by ClinVar (database versions not stated): gnomAD exomes below 0.00001; gnomAD 0.00001; TOPMed 0.00006; 1000 Genomes Project 30x 0.00016.
gnomAD v4.1: 5 of 1,551,948 alleles (0.00032%); highest among the groups gnomAD compares: Admixed American, 0.0019%; no homozygotes.

Submissions (2):

Labcorp Genetics (formerly Invitae), Labcorp
Classification: Uncertain significance. Last evaluated: 2025-07-29. Review status: criteria provided, single submitter. Criteria: Invitae Variant Classification Sherloc (09022015). Collection method: clinical testing. Allele origin: germline.
Comment: This sequence change replaces leucine, which is neutral and non-polar, with serine, which is neutral and polar, at codon 73 of the THBD protein (p.Leu73Ser). This variant is not present in population databases (gnomAD no frequency). This variant has not been reported in the literature in individuals affected with THBD-related conditions. ClinVar contains an entry for this variant (Variation ID: 1445632). Invitae Evidence Modeling of protein sequence and biophysical properties (such as structural, functional, and spatial information, amino acid conservation, physicochemical variation, residue mobility, and thermodynamic stability) has been performed for this missense variant. However, the output from this modeling did not meet the statistical confidence thresholds required to predict the impact of this variant on THBD protein function. In summary, the available evidence is currently insufficient to determine the role of this variant in disease. Therefore, it has been classified as a Variant of Uncertain Significance.

Ambry Genetics
Classification: Uncertain significance for Inborn genetic diseases. Last evaluated: 2025-04-03. Review status: criteria provided, single submitter. Criteria: Ambry Variant Classification Scheme 2023. Collection method: clinical testing. Allele origin: germline.

NM_000361.3(THBD):c.218T>C (p.Leu73Ser)

Gene: THBD (thrombomodulin; minus strand). Cytogenetic location: 20p11.21.
Variant type: single nucleotide variant.
Coding change: c.218T>C on transcript NM_000361.3 (MANE Select); coding-DNA position 218, T replaced by C.
Protein change: p.Leu73Ser; replaces leucine 73 with serine.
Molecular consequence: missense variant.
Genome position (GRCh38, 1-based): chr20:23,049,287, A>G on the plus strand (T>C on the coding strand, the complement: THBD is on the minus strand). VCF-style: chr20-23049287-A-G. GRCh37 (hg19) VCF-style: chr20-23029924-A-G.
Other names: c.218T>C (NM_000361.2); short protein forms L73S.
Identifiers: ClinVar variation 1445632 (VCV001445632.10), dbSNP rs886938231, ClinGen allele CA313552355.